The following is an entry in ClinVar:

NM_020320.5(RARS2):c.975-43G>A

Gene: RARS2 (arginyl-tRNA synthetase 2, mitochondrial; minus strand). Cytogenetic location: 6q15.
Variant type: single nucleotide variant.
Coding change: c.975-43G>A on transcript NM_020320.5 (MANE Select); 43 bases into the intron before coding-DNA position 975, G replaced by A.
Molecular consequence: intron variant.
Genome position (GRCh38, 1-based): chr6:87,521,567, C>T on the plus strand (G>A on the coding strand, the complement: RARS2 is on the minus strand). VCF-style: chr6-87521567-C-T. GRCh37 (hg19) VCF-style: chr6-88231285-C-T.
Other names: c.975-43G>A (NM_001350505.2); c.450-43G>A (NM_001350509.2, NM_001318785.2, NM_001350506.2 and 4 more transcripts).
Identifiers: ClinVar variation 673479 (VCV000673479.4), dbSNP rs3757371, ClinGen allele CA3916440.

ClinVar aggregate classification (germline): Benign. Review status: criteria provided, multiple submitters, no conflicts (2 of 4 stars). 2 submissions from 2 submitters: Benign (2). Last evaluated 2021-07-10.

Conditions:
Pontocerebellar hypoplasia type 6 (PCH6). Identifiers: Orphanet 166073, MedGen C1969084, MONDO:0012683, OMIM 611523.

Allele frequency attached by ClinVar (database versions not stated): gnomAD exomes 0.04248 and 0.04424; ExAC 0.04446; 1000 Genomes Project 0.05371; 1000 Genomes Project 30x 0.05809; gnomAD 0.06319 and 0.06627; ESP Exome Variant Server 0.06813; TOPMed 0.06951.
gnomAD v4.1: 69,389 of 1,498,304 alleles (4.6%); highest among the groups gnomAD compares: African/African-American, 12%; 1,985 homozygotes.

Submissions (2):

Genome-Nilou Lab
Classification: Benign for Pontocerebellar hypoplasia type 6. Last evaluated: 2021-07-10. Review status: criteria provided, single submitter. Criteria: ACMG Guidelines, 2015. Collection method: clinical testing. Allele origin: germline. Affected: no.

GeneDx
Classification: Benign. Last evaluated: 2018-06-18. Review status: criteria provided, single submitter. Criteria: GeneDx Variant Classification (06012015). Collection method: clinical testing. Allele origin: germline. Affected: yes.
Comment: This variant is considered likely benign or benign based on one or more of the following criteria: it is a conservative change, it occurs at a poorly conserved position in the protein, it is predicted to be benign by multiple in silico algorithms, and/or has population frequency not consistent with disease.